The following is an entry in ClinVar:

NM_020975.6(RET):c.2483G>T (p.Gly828Val)

Gene: RET (ret proto-oncogene; plus strand). Cytogenetic location: 10q11.21.
Variant type: single nucleotide variant.
Coding change: c.2483G>T on transcript NM_020975.6 (MANE Select); coding-DNA position 2483, G replaced by T.
Protein change: p.Gly828Val; replaces glycine 828 with valine.
Molecular consequence: missense variant.
Genome position (GRCh38, 1-based): chr10:43,119,621, G>T. VCF-style: chr10-43119621-G-T. GRCh37 (hg19) VCF-style: chr10-43615069-G-T.
Other names: c.2483G>T, p.Gly828Val (NM_000323.2, NM_001406743.1, NM_001406744.1 and 4 more transcripts); c.1721G>T, p.Gly574Val (NM_001355216.2); c.2354G>T, p.Gly785Val (NM_001406761.1, NM_001406762.1, NM_001406764.1); c.2348G>T, p.Gly783Val (NM_001406763.1, NM_001406765.1); c.2195G>T, p.Gly732Val (NM_001406766.1, NM_001406767.1, NM_001406770.1); c.2219G>T, p.Gly740Val (NM_001406768.1); c.2087G>T, p.Gly696Val (NM_001406769.1, NM_001406772.1); c.2045G>T, p.Gly682Val (NM_001406771.1, NM_001406773.1); and 10 more; short protein forms G828V, G574V, G393V, G486V, G489V, G696V, G682V, G732V.
Identifiers: ClinVar variation 661266 (VCV000661266.4), dbSNP rs1588877229, ClinGen allele CA376556347.
Genomic context (GRCh38, chr10:43,119,621, plus strand): 5'-AATACGGCTCCCTGCGGGGCTTCCTCCGCGAGAGCCGCAAAGTGGGGCCTGGCTACCTGG[G>T]CAGTGGAGGCAGCCGCAACTCCAGCTCCCTGGACCACCCGGATGAGCGGGCCCTCACCAT-3'
Protein context (NP_066124.1, residues 818-838): ESRKVGPGYL[Gly828Val]SGGSRNSSSL

ClinVar aggregate classification (germline): Uncertain significance. Review status: criteria provided, multiple submitters, no conflicts (2 of 4 stars). 2 submissions from 2 submitters: Uncertain significance (2). Last evaluated 2024-12-16.

Conditions:
Hereditary cancer-predisposing syndrome. Also called: Neoplastic Syndromes, Hereditary; Tumor predisposition; Hereditary neoplastic syndrome; Hereditary Cancer Syndrome. Identifiers: Orphanet 140162, MedGen C0027672, MeSH D009386, MONDO:0015356.
Multiple endocrine neoplasia, type 2 (MEN2). Identifiers: Orphanet 653, MedGen C4048306, MONDO:0019003. Disease mechanism: gain of function.

Submissions (2):

Ambry Genetics
Classification: Uncertain significance for Hereditary cancer-predisposing syndrome. Last evaluated: 2024-12-16. Review status: criteria provided, single submitter. Criteria: Ambry Variant Classification Scheme 2023. Collection method: clinical testing. Allele origin: germline.
Comment: The p.G828V variant (also known as c.2483G>T), located in coding exon 14 of the RET gene, results from a G to T substitution at nucleotide position 2483. The glycine at codon 828 is replaced by valine, an amino acid with dissimilar properties. This amino acid position is conserved. In addition, the in silico prediction for this alteration is inconclusive. Based on the available evidence, the clinical significance of this variant remains unclear.

Labcorp Genetics (formerly Invitae), Labcorp
Classification: Uncertain significance for Multiple endocrine neoplasia, type 2. Last evaluated: 2018-10-24. Review status: criteria provided, single submitter. Criteria: Invitae Variant Classification Sherloc (09022015). Collection method: clinical testing. Allele origin: germline.
Comment: This sequence change replaces glycine with valine at codon 828 of the RET protein (p.Gly828Val). The glycine residue is moderately conserved and there is a moderate physicochemical difference between glycine and valine. This variant is not present in population databases (ExAC no frequency). This variant has not been reported in the literature in individuals with RET-related disease. Algorithms developed to predict the effect of missense changes on protein structure and function are either unavailable or do not agree on the potential impact of this missense change (SIFT: "Deleterious"; PolyPhen-2: "Benign"; Align-GVGD: "Class C0"). Algorithms developed to predict the effect of sequence changes on RNA splicing suggest that this variant may create or strengthen a splice site, but this prediction has not been confirmed by published transcriptional studies. In summary, the available evidence is currently insufficient to determine the role of this variant in disease. Therefore, it has been classified as a Variant of Uncertain Significance.